The following is an entry in ClinVar:

NM_001563.4(IMPG1):c.1213G>C (p.Asp405His)

Gene: IMPG1 (interphotoreceptor matrix proteoglycan 1; minus strand). Cytogenetic location: 6q14.1.
Variant type: single nucleotide variant.
Coding change: c.1213G>C on transcript NM_001563.4 (MANE Select); coding-DNA position 1213, G replaced by C.
Protein change: p.Asp405His; replaces aspartic acid 405 with histidine.
Molecular consequence: missense variant.
Genome position (GRCh38, 1-based): chr6:76,002,996, C>G on the plus strand (G>C on the coding strand, the complement: IMPG1 is on the minus strand). VCF-style: chr6-76002996-C-G. GRCh37 (hg19) VCF-style: chr6-76712713-C-G.
Other names: c.979G>C, p.Asp327His (NM_001282368.2); short protein forms D327H, D405H.
Identifiers: ClinVar variation 2994410 (VCV002994410.3), dbSNP rs1483353482, ClinGen allele CA364770485.

ClinVar aggregate classification (germline): Uncertain significance (1 of 4 stars; one submission).

Allele frequency attached by ClinVar (database versions not stated): gnomAD 0.00001.
gnomAD v4.1: 5 of 1,611,326 alleles (0.00031%); highest among the groups gnomAD compares: African/African-American, 0.0013%; no homozygotes.

Submission:

Labcorp Genetics (formerly Invitae), Labcorp
Classification: Uncertain significance. Last evaluated: 2023-02-19. Review status: criteria provided, single submitter. Criteria: Invitae Variant Classification Sherloc (09022015). Collection method: clinical testing. Allele origin: germline.
Comment: In summary, the available evidence is currently insufficient to determine the role of this variant in disease. Therefore, it has been classified as a Variant of Uncertain Significance. Algorithms developed to predict the effect of sequence changes on RNA splicing suggest that this variant may disrupt the consensus splice site. An algorithm developed to predict the effect of missense changes on protein structure and function (PolyPhen-2) suggests that this variant is likely to be disruptive. This variant has not been reported in the literature in individuals affected with IMPG1-related conditions. This variant is present in population databases (no rsID available, gnomAD 0.01%). This sequence change replaces aspartic acid, which is acidic and polar, with histidine, which is basic and polar, at codon 405 of the IMPG1 protein (p.Asp405His).